The following is an entry in ClinVar:

NM_015259.6(ICOSLG):c.683_685dup (p.Val228dup)

Gene: ICOSLG (inducible T cell costimulator ligand; minus strand). Cytogenetic location: 21q22.3.
Variant type: Duplication.
Coding change: c.683_685dup on transcript NM_015259.6 (MANE Select); coding-DNA positions 683 to 685, 3 bases duplicated (TCG; older notation c.683_685dupTCG).
Protein change: p.Val228dup; duplicates valine 228.
Molecular consequence: inframe insertion.
Genome position (GRCh38, 1-based): chr21:44,235,284-44,235,286, CGA duplicated on the plus strand (TCG on the coding strand, the reverse complement: ICOSLG is on the minus strand); duplicating any 3 consecutive bases within chr21:44,235,284-44,235,287 gives the same sequence; the c. name uses the placement nearest the transcript's 3' end. VCF-style (leftmost placement, unchanged base first): chr21-44235283-C-CCGA. GRCh37 (hg19) VCF-style: chr21-45655166-C-CCGA.
Other names: c.683_685dup, p.Val228dup (NM_001283050.2); c.332_334dup, p.Val111dup (NM_001283051.2); c.428_430dup, p.Val143dup (NM_001283052.2); c.602_604dup, p.Val201dup (NM_001365759.2).
Identifiers: ClinVar variation 1487207 (VCV001487207.8), dbSNP rs2146341933, ClinGen allele CA2573157676.

ClinVar aggregate classification (germline): Uncertain significance (1 of 4 stars; one submission).

Submission:

Labcorp Genetics (formerly Invitae), Labcorp
Classification: Uncertain significance. Last evaluated: 2023-08-17. Review status: criteria provided, single submitter. Criteria: Invitae Variant Classification Sherloc (09022015). Collection method: clinical testing. Allele origin: germline.
Comment: This variant, c.683_685dup, results in the insertion of 1 amino acid(s) of the ICOSLG protein (p.Val228dup), but otherwise preserves the integrity of the reading frame. This variant is not present in population databases (gnomAD no frequency). This variant has not been reported in the literature in individuals affected with ICOSLG-related conditions. ClinVar contains an entry for this variant (Variation ID: 1487207). Experimental studies and prediction algorithms are not available or were not evaluated, and the functional significance of this variant is currently unknown. In summary, the available evidence is currently insufficient to determine the role of this variant in disease. Therefore, it has been classified as a Variant of Uncertain Significance.